The following is an entry in ClinVar:

NM_001267550.2(TTN):c.72295_72296delinsTT (p.Ala24099Phe)

Genes: TTN (titin; minus strand), TTN-AS1 (TTN antisense RNA 1; plus strand). Cytogenetic location: 2q31.2.
Variant type: Indel.
Coding change: c.72295_72296delinsTT on transcript NM_001267550.2 (MANE Select); coding-DNA positions 72295 to 72296, GC replaced by TT.
Protein change: p.Ala24099Phe; replaces alanine 24099 with phenylalanine.
Molecular consequence: missense variant.
Genome position (GRCh38, 1-based): chr2:178,573,836-178,573,837, GC replaced by AA on the plus strand (GC replaced by TT on the coding strand, the reverse complement: TTN is on the minus strand). VCF-style: chr2-178573836-GC-AA. GRCh37 (hg19) VCF-style: chr2-179438563-GC-AA.
Other names: c.67372_67373delinsTT, p.Ala22458Phe (NM_001256850.1); c.45100_45101delinsTT, p.Ala15034Phe (NM_003319.4); c.64591_64592delinsTT, p.Ala21531Phe (NM_133378.4); c.45475_45476delinsTT, p.Ala15159Phe (NM_133432.3); c.45676_45677delinsTT, p.Ala15226Phe (NM_133437.4); c.45100_45101delGCinsTT (NM_003319.4); short protein forms A15034F, A15159F, A15226F, A21531F, A22458F, A24099F.
Identifiers: ClinVar variation 1220010 (VCV001220010.4), dbSNP rs2154171120, ClinGen allele CA2499215373.
Genomic context (GRCh38, chr2:178,573,836, plus strand): 5'-ACTTTGACATTGAAAATGTGTTTAGCAAAGCCACCAGGATTAGTCGCTGTAAGGGTATAG[GC>AA]ACCACTATCCCTTCTTGTTGAATCTTTGTTTACCAGATTAGTAGAGAAATCTGCAATTTT-3'
Protein context (NP_001254479.2, residues 24089-24109): NKDSTRRDSG[Ala24099Phe]YTLTATNPGG

ClinVar aggregate classification (germline): Uncertain significance. Review status: criteria provided, multiple submitters, no conflicts (2 of 4 stars). 2 submissions from 2 submitters: Uncertain significance (2). Last evaluated 2024-10-03.

Conditions:
Cardiovascular phenotype. Identifiers: MedGen CN230736.

Submissions (2):

Ambry Genetics
Classification: Uncertain significance for Cardiovascular phenotype. Last evaluated: 2024-10-03. Review status: criteria provided, single submitter. Criteria: Ambry Variant Classification Scheme 2023. Collection method: clinical testing. Allele origin: germline.
Comment: The c.45100_45101delGCinsTT variant (also known as p.A15034F), located in coding exon 153 of the TTN gene, results from an in-frame deletion of GC and insertion of TT at nucleotide positions 45100 to 45101. This results in the substitution of the alanine residue for a phenylalanine residue at codon 15034, an amino acid with dissimilar properties. This amino acid position is highly conserved in available vertebrate species. In addition, the in silico prediction for this alteration is inconclusive (Choi Y et al. PLoS ONE. 2012; 7(10):e46688). Since supporting evidence is limited at this time, the clinical significance of this alteration remains unclear.

GeneDx
Classification: Uncertain significance. Last evaluated: 2021-08-27. Review status: criteria provided, single submitter. Criteria: GeneDx Variant Classification Process June 2021. Collection method: clinical testing. Allele origin: germline. Affected: yes.